The following is an entry in ClinVar:

NM_000377.3(WAS):c.482C>A (p.Pro161Gln)

Gene: WAS (WASP actin nucleation promoting factor; plus strand). Cytogenetic location: Xp11.23.
Variant type: single nucleotide variant.
Coding change: c.482C>A on transcript NM_000377.3 (MANE Select); coding-DNA position 482, C replaced by A.
Protein change: p.Pro161Gln; replaces proline 161 with glutamine.
Molecular consequence: missense variant.
Genome position (GRCh38, 1-based): chrX:48,685,964, C>A. VCF-style: chrX-48685964-C-A. GRCh37 (hg19) VCF-style: chrX-48544353-C-A.
Other names: short protein forms P161Q.
Identifiers: ClinVar variation 567234 (VCV000567234.7), dbSNP rs1569493803, ClinGen allele CA412868692.
Genomic context (GRCh38, chrX:48,685,964, plus strand): 5'-GTCCCCTCTCATGGTCCTGGCTCCCAATCCATCTATCCACAGACAGACGCCAGCTACCCC[C>A]ACCACCAACACCAGCCAATGAAGGTGAGTCCTCTAGTGCAAGTAGGGGTAATAAGGGGCT-3'
Protein context (NP_000368.1, residues 151-171): RQSGDRRQLP[Pro161Gln]PPTPANEERR

ClinVar aggregate classification (germline): Uncertain significance (1 of 4 stars; one submission).

Conditions:
Wiskott-Aldrich syndrome (WAS). Also called: ALDRICH SYNDROME; IMMUNODEFICIENCY 2; Wiskott-aldrich syndrome, somatic; WISKOTT-ALDRICH SYNDROME 1. Identifiers: Orphanet 906, MedGen C0043194, MONDO:0010518, OMIM 301000.
X-linked severe congenital neutropenia (SCNX). Identifiers: Orphanet 86788, MedGen C1845987, MONDO:0010294, OMIM 300299.
Thrombocytopenia 1. Also called: THROMBOCYTOPENIA, X-LINKED, 1; X-linked thrombocytopenia with normal platelets; X-Linked Thrombocytopenia (XLT). Identifiers: Orphanet 268322, Orphanet 852, MedGen C1839163, MONDO:0010743, OMIM 313900.

Submission:

Labcorp Genetics (formerly Invitae), Labcorp
Classification: Uncertain significance for Wiskott-Aldrich syndrome; X-linked severe congenital neutropenia; Thrombocytopenia 1. Last evaluated: 2018-06-06. Review status: criteria provided, single submitter. Criteria: Invitae Variant Classification Sherloc (09022015). Collection method: clinical testing. Allele origin: germline.
Comment: In summary, the available evidence is currently insufficient to determine the role of this variant in disease. Therefore, it has been classified as a Variant of Uncertain Significance. Algorithms developed to predict the effect of missense changes on protein structure and function are either unavailable or do not agree on the potential impact of this missense change (SIFT: "Tolerated"; PolyPhen-2: "Possibly Damaging"; Align-GVGD: "Class C0"). This variant has not been reported in the literature in individuals with WAS-related disease. This variant is not present in population databases (ExAC no frequency). This sequence change replaces proline with glutamine at codon 161 of the WAS protein (p.Pro161Gln). The proline residue is weakly conserved and there is a moderate physicochemical difference between proline and glutamine.